The following is an entry in ClinVar:

NM_002230.4(JUP):c.1778T>A (p.Leu593Gln)

Gene: JUP (junction plakoglobin; minus strand). Cytogenetic location: 17q21.2.
Variant type: single nucleotide variant.
Coding change: c.1778T>A on transcript NM_002230.4 (MANE Select); coding-DNA position 1778, T replaced by A.
Protein change: p.Leu593Gln; replaces leucine 593 with glutamine.
Molecular consequence: missense variant.
Genome position (GRCh38, 1-based): chr17:41,757,780, A>T on the plus strand (T>A on the coding strand, the complement: JUP is on the minus strand). VCF-style: chr17-41757780-A-T. GRCh37 (hg19) VCF-style: chr17-39914032-A-T.
Other names: c.1778T>A, p.Leu593Gln (NM_001352773.2, NM_001352774.2, NM_001352775.2 and 3 more transcripts); short protein forms L593Q.
Identifiers: ClinVar variation 2928725 (VCV002928725.5), dbSNP rs1914098878, ClinGen allele CA399492650.

ClinVar aggregate classification (germline): Uncertain significance. Review status: criteria provided, multiple submitters, no conflicts (2 of 4 stars). 2 submissions from 2 submitters: Uncertain significance (2). Last evaluated 2024-09-11.

Conditions:
Naxos disease (NXD). Also called: KERATOSIS PALMOPLANTARIS WITH ARRHYTHMOGENIC CARDIOMYOPATHY; MAL DE NAXOS; PALMOPLANTAR KERATODERMA WITH ARRHYTHMOGENIC RIGHT VENTRICULAR CARDIOMYOPATHY AND WOOLLY HAIR; WOOLLY HAIR, PALMOPLANTAR KERATODERMA, AND CARDIAC ABNORMALITIES; CARDIOMYOPATHY, ARRHYTHMOGENIC RIGHT VENTRICULAR, WITH SKIN, HAIR, AND NAIL ABNORMALITIES. Identifiers: Orphanet 34217, MedGen C1832600, MONDO:0011017, OMIM 601214.
Arrhythmogenic right ventricular dysplasia 12. Also called: ARRHYTHMOGENIC RIGHT VENTRICULAR DYSPLASIA, FAMILIAL, 12. Identifiers: MedGen C1969081, MONDO:0012684, OMIM 611528.
Cardiovascular phenotype. Identifiers: MedGen CN230736.

Allele frequency attached by ClinVar (database versions not stated): gnomAD exomes below 0.00001; gnomAD 0.00001; TOPMed 0.00001.
gnomAD v4.1: 3 of 1,608,412 alleles (0.00019%); highest among the groups gnomAD compares: African/African-American, 0.004%; no homozygotes.

Submissions (2):

Ambry Genetics
Classification: Uncertain significance for Cardiovascular phenotype. Last evaluated: 2024-09-11. Review status: criteria provided, single submitter. Criteria: Ambry Variant Classification Scheme 2023. Collection method: clinical testing. Allele origin: germline.
Comment: The p.L593Q variant (also known as c.1778T>A), located in coding exon 10 of the JUP gene, results from a T to A substitution at nucleotide position 1778. The leucine at codon 593 is replaced by glutamine, an amino acid with dissimilar properties. This amino acid position is conserved. In addition, this alteration is predicted to be deleterious by in silico analysis. Based on the available evidence, the clinical significance of this variant remains unclear.

Labcorp Genetics (formerly Invitae), Labcorp
Classification: Uncertain significance for Arrhythmogenic right ventricular dysplasia 12; Naxos disease. Last evaluated: 2023-09-03. Review status: criteria provided, single submitter. Criteria: Invitae Variant Classification Sherloc (09022015). Collection method: clinical testing. Allele origin: germline.
Comment: In summary, the available evidence is currently insufficient to determine the role of this variant in disease. Therefore, it has been classified as a Variant of Uncertain Significance. Algorithms developed to predict the effect of sequence changes on RNA splicing suggest that this variant may create or strengthen a splice site. An algorithm developed to predict the effect of missense changes on protein structure and function (PolyPhen-2) suggests that this variant is likely to be disruptive. This variant has not been reported in the literature in individuals affected with JUP-related conditions. This variant is not present in population databases (gnomAD no frequency). This sequence change replaces leucine, which is neutral and non-polar, with glutamine, which is neutral and polar, at codon 593 of the JUP protein (p.Leu593Gln).